The following is an entry in ClinVar:

ClinVar aggregate classification (germline): Uncertain significance (1 of 4 stars; one submission).

Submission:

GeneDx
Classification: Uncertain significance. Last evaluated: 2025-07-29. Review status: criteria provided, single submitter. Criteria: GeneDx Variant Classification Process June 2021. Collection method: clinical testing. Allele origin: germline. Affected: yes.
Comment: Not observed at significant frequency in large population cohorts (gnomAD); In-frame deletion of 3 amino acid(s) in a non-repeat region; In silico analysis supports a deleterious effect on protein structure/function; Has not been previously published as pathogenic or benign to our knowledge; In silico analysis is inconclusive as to whether the variant alters gene splicing. In the absence of RNA/functional studies, the actual effect of this sequence change is unknown.

NM_006593.4(TBR1):c.357_365del (p.Pro120_Ala122del)

Gene: TBR1 (T-box brain transcription factor 1; plus strand). Cytogenetic location: 2q24.2.
Variant type: Deletion.
Coding change: c.357_365del on transcript NM_006593.4 (MANE Select); coding-DNA positions 357 to 365, 9 bases deleted (TCCCAGTGC; older notation c.357_365delTCCCAGTGC).
Protein change: p.Pro120_Ala122del.
Molecular consequence: inframe deletion.
Genome position (GRCh38, 1-based): chr2:161,416,767-161,416,775, TCCCAGTGC deleted; deleting any 9 consecutive bases within chr2:161,416,764-161,416,775 gives the same sequence; the c. name uses the placement nearest the transcript's 3' end. VCF-style (leftmost placement, unchanged base first): chr2-161416763-CTGCTCCCAG-C. GRCh37 (hg19) VCF-style: chr2-162273274-CTGCTCCCAG-C.
Identifiers: ClinVar variation 4689881 (VCV004689881.1).